The following is an entry in ClinVar:

ClinVar aggregate classification (germline): Likely benign. Review status: criteria provided, multiple submitters, no conflicts (2 of 4 stars). 4 submissions from 4 submitters: Likely benign (3). 1 of the submissions does not count toward it. Last evaluated 2024-10-01.

Conditions:
ACACB-related disorder. Also called: ACACB-related condition.

Allele frequency attached by ClinVar (database versions not stated): 1000 Genomes Project 0.00280; 1000 Genomes Project 30x 0.00297; gnomAD 0.00417 and 0.00442; gnomAD exomes 0.00434 and 0.00628; TOPMed 0.00440; ExAC 0.00463; ESP Exome Variant Server 0.00484.
gnomAD v4.1: 9,787 of 1,613,752 alleles (0.61%); highest among the groups gnomAD compares: Non-Finnish European, 0.71%; 48 homozygotes.

Submissions (4):

CeGaT Center for Human Genetics Tuebingen
Classification: Likely benign. Last evaluated: 2024-10-01. Review status: criteria provided, single submitter. Criteria: CeGaT Center For Human Genetics Tuebingen Variant Classification Criteria Version 2. Collection method: clinical testing. Allele origin: germline. Affected: yes. Observed: 1 variant allele.
Comment: ACACB: BS2

Labcorp Genetics (formerly Invitae), Labcorp
Classification: Likely benign. Last evaluated: 2019-12-31. Review status: criteria provided, single submitter. Criteria: Invitae Variant Classification Sherloc (09022015). Collection method: clinical testing. Allele origin: germline.

Breakthrough Genomics
Classification: Likely benign. Review status: criteria provided, single submitter. Criteria: ACMG Guidelines, 2015. Collection method: not provided. Allele origin: germline. Inheritance: Unknown mechanism. Affected: yes.

PreventionGenetics, part of Exact Sciences
Classification: Likely benign for ACACB-related condition. Last evaluated: 2019-05-23. Review status: no assertion criteria provided. Collection method: clinical testing. Allele origin: germline. Not counted in ClinVar's aggregate classification.
Comment: This variant is classified as likely benign based on ACMG/AMP sequence variant interpretation guidelines (Richards et al. 2015 PMID: 25741868, with internal and published modifications).

NM_001093.4(ACACB):c.5357G>A (p.Arg1786Gln)

Gene: ACACB (acetyl-CoA carboxylase beta; plus strand). Cytogenetic location: 12q24.11.
Variant type: single nucleotide variant.
Coding change: c.5357G>A on transcript NM_001093.4 (MANE Select); coding-DNA position 5357, G replaced by A.
Protein change: p.Arg1786Gln; replaces arginine 1786 with glutamine.
Molecular consequence: missense variant.
Genome position (GRCh38, 1-based): chr12:109,246,234, G>A. VCF-style: chr12-109246234-G-A. GRCh37 (hg19) VCF-style: chr12-109684039-G-A.
Other names: short protein forms R1786Q.
Identifiers: ClinVar variation 789449 (VCV000789449.20), dbSNP rs144673785, ClinGen allele CA6774720.
Genomic context (GRCh38, chr12:109,246,234, plus strand): 5'-GCCAGGTGGGCATGGTGGCCTTCAAAATGAGGTTTAAGACCCAGGAGTACCCGGAAGGAC[G>A]GGATGTGATCGTCATCGGCAATGACATCACCTTTCGCATTGGATCCTTTGGCCCTGGAGA-3'
Protein context (NP_001084.3, residues 1776-1796): RFKTQEYPEG[Arg1786Gln]DVIVIGNDIT